The following is an entry in ClinVar:

NM_004586.3(RPS6KA3):c.1686dup (p.Gly563fs)

Gene: RPS6KA3 (ribosomal protein S6 kinase A3; minus strand). Cytogenetic location: Xp22.12.
Variant type: Duplication.
Coding change: c.1686dup on transcript NM_004586.3 (MANE Select); coding-DNA position 1686, one base duplicated (T; older notation c.1686dupT).
Protein change: p.Gly563fs; shifts the reading frame from glycine 563.
Molecular consequence: frameshift variant.
Genome position (GRCh38, 1-based): chrX:20,164,977, A duplicated on the plus strand (T on the coding strand, the reverse complement: RPS6KA3 is on the minus strand); the first of 4 consecutive A bases (chrX:20,164,977-20,164,980); duplicating any one gives the same sequence. VCF-style (leftmost placement, unchanged base first): chrX-20164976-C-CA. GRCh37 (hg19) VCF-style: chrX-20183094-C-CA.
Other names: short protein forms G563fs.
Identifiers: ClinVar variation 3254566 (VCV003254566.2), dbSNP rs2519625017.

ClinVar aggregate classification (germline): Pathogenic (1 of 4 stars; one submission).

Conditions:
Coffin-Lowry syndrome (CLS). Also called: COFFIN-LOWRY SYNDROME, MILD; Mental retardation with osteocartilaginous abnormalities. Identifiers: Orphanet 192, MedGen C0265252, MONDO:0010561, OMIM 303600.

Submission:

Victorian Clinical Genetics Services, Murdoch Childrens Research Institute
Classification: Pathogenic for Coffin-Lowry syndrome. Last evaluated: 2024-09-20. Review status: criteria provided, single submitter. Criteria: ACMG Guidelines, 2015. Collection method: clinical testing. Allele origin: germline. Inheritance: X-linked dominant inheritance. Affected: yes.
Comment: Based on the classification scheme VCGS_Germline_v1.3.4, this variant is classified as Pathogenic. Following criteria are met: 0102 - Loss of function is a known mechanism of disease in this gene and is associated with Coffin-Lowry syndrome (MIM#303600) and intellectual developmental disorder, X-linked 19 (MIM#300844). (I) 0110 - This gene is associated with X-linked dominant disease. Females may be severely affected or very mild, with some affected males having inherited their variants from unaffected mothers (PMID: 19888300, PMID: 16879200). (I) 0115 - Variants in this gene are known to have variable expressivity, with intrafamilial variability reported (PMID: 32858545). (I) 0201 - Variant is predicted to cause nonsense-mediated decay (NMD) and loss of protein (premature termination codon is located at least 54 nucleotides upstream of the final exon-exon junction). (SP) 0251 - This variant is heterozygous. (I) 0301 - Variant is absent from gnomAD (both v2 and v3). (SP) 0701 - Other NMD-predicted variants comparable to the one identified in this case have very strong previous evidence for pathogenicity. Many NMD-predicted variants have previously been reported as pathogenic (DECIPHER). (SP) 0803 - This variant has limited previous evidence of pathogenicity in an unrelated individual. This variant has been reported in an individual with Coffin-Lowry syndrome (PMID: 16879200). (SP) 0905 - No published segregation evidence has been identified for this variant. (I) 1007 - No published functional evidence has been identified for this variant. (I) 1101 - Very strong and specific phenotype match for this individual. (SP) 1208 - Inheritance information for this variant is not currently available in this individual. (I) Legend: (SP) - Supporting pathogenic, (I) - Information, (SB) - Supporting benign

Literature cited by the submitters: PubMed 16879200; PubMed 19888300; PubMed 32858545.